The following is an entry in ClinVar:

NM_018671.5(UNC45A):c.2091C>T (p.Ala697=)

Gene: UNC45A (unc-45 myosin chaperone A; plus strand). Cytogenetic location: 15q26.1.
Variant type: single nucleotide variant.
Coding change: c.2091C>T on transcript NM_018671.5 (MANE Select); coding-DNA position 2091, C replaced by T.
Protein change: p.Ala697=; no amino-acid change (alanine 697 retained).
Molecular consequence: synonymous variant.
Genome position (GRCh38, 1-based): chr15:90,950,171, C>T. VCF-style: chr15-90950171-C-T. GRCh37 (hg19) VCF-style: chr15-91493401-C-T.
Other names: c.2046C>T, p.Ala682= (NM_001039675.2, NM_001323621.2); c.2091C>T, p.Ala697= (NM_001323619.1); c.1656C>T, p.Ala552= (NM_001323620.2).
Identifiers: ClinVar variation 2857493 (VCV002857493.4), dbSNP rs1212845805, ClinGen allele CA492174454.

ClinVar aggregate classification (germline): Likely benign. Review status: criteria provided, multiple submitters, no conflicts (2 of 4 stars). 2 submissions from 2 submitters: Likely benign (2). Last evaluated 2026-06-12.

Conditions:
UNC45A-related disorder. Also called: UNC45A-related condition.

Allele frequency attached by ClinVar (database versions not stated): gnomAD exomes below 0.00001; gnomAD 0.00001; TOPMed 0.00001.
gnomAD v4.1: 4 of 1,551,488 alleles (0.00026%); highest among the groups gnomAD compares: Admixed American, 0.0059%; no homozygotes.

Submissions (2):

PreventionGenetics, part of Exact Sciences
Classification: Likely benign for UNC45A-related condition. Last evaluated: 2026-06-12. Review status: criteria provided, single submitter. Criteria: ACMG Guidelines, 2015. Collection method: clinical testing. Allele origin: germline.
Comment: This variant is classified as likely benign based on ACMG/AMP sequence variant interpretation guidelines (Richards et al. 2015 PMID: 25741868, with internal and published modifications).

Labcorp Genetics (formerly Invitae), Labcorp
Classification: Likely benign. Last evaluated: 2025-05-21. Review status: criteria provided, single submitter. Criteria: Invitae Variant Classification Sherloc (09022015). Collection method: clinical testing. Allele origin: germline.